The following is an entry in ClinVar:

NM_015662.3(IFT172):c.51A>G (p.Ala17=)

Gene: IFT172 (intraflagellar transport 172; minus strand). Cytogenetic location: 2p23.3.
Variant type: single nucleotide variant.
Coding change: c.51A>G on transcript NM_015662.3 (MANE Select); coding-DNA position 51, A replaced by G.
Protein change: p.Ala17=; no amino-acid change (alanine 17 retained).
Molecular consequence: synonymous variant.
Genome position (GRCh38, 1-based): chr2:27,485,492, T>C on the plus strand (A>G on the coding strand, the complement: IFT172 is on the minus strand). VCF-style: chr2-27485492-T-C. GRCh37 (hg19) VCF-style: chr2-27708359-T-C.
Other names: c.51A>G, p.Ala17= (NM_001410739.1); c.51A>G (NM_015662.2).
Identifiers: ClinVar variation 4954385 (VCV004954385.2).

ClinVar aggregate classification (germline): Likely benign. Review status: criteria provided, multiple submitters, no conflicts (2 of 4 stars). 2 submissions from 2 submitters: Likely benign (2). Last evaluated 2025-11-24.

Conditions:
IFT172-related disorder. Also called: IFT172-related condition; IFT172-related disorders.

Submissions (2):

PreventionGenetics, part of Exact Sciences
Classification: Likely benign for IFT172-related condition. Last evaluated: 2025-11-24. Review status: criteria provided, single submitter. Criteria: ACMG Guidelines, 2015. Collection method: clinical testing. Allele origin: germline.
Comment: This variant is classified as likely benign based on ACMG/AMP sequence variant interpretation guidelines (Richards et al. 2015 PMID: 25741868, with internal and published modifications).

Blueprint Genetics
Classification: Likely benign. Last evaluated: 2022-03-28. Review status: criteria provided, single submitter. Criteria: ACMG Guidelines, 2015. Collection method: clinical testing. Allele origin: germline.